The following is an entry in ClinVar:

ClinVar aggregate classification (germline): Uncertain significance (1 of 4 stars; one submission).

Conditions:
Early-infantile DEE. Also called: Early infantile epileptic encephalopathy; Ohtahara syndrome; Early infantile epileptic encephalopathy with suppression bursts. Identifiers: Orphanet 1934, MedGen C0393706, MONDO:0800491.

Submission:

Labcorp Genetics (formerly Invitae), Labcorp
Classification: Uncertain significance for Early-infantile DEE. Last evaluated: 2022-05-08. Review status: criteria provided, single submitter. Criteria: Invitae Variant Classification Sherloc (09022015). Collection method: clinical testing. Allele origin: germline.
Comment: This variant is not present in population databases (gnomAD no frequency). This sequence change replaces glycine, which is neutral and non-polar, with valine, which is neutral and non-polar, at codon 300 of the SLC25A22 protein (p.Gly300Val). This variant has not been reported in the literature in individuals affected with SLC25A22-related conditions. In summary, the available evidence is currently insufficient to determine the role of this variant in disease. Therefore, it has been classified as a Variant of Uncertain Significance. Algorithms developed to predict the effect of missense changes on protein structure and function are either unavailable or do not agree on the potential impact of this missense change (SIFT: "Deleterious"; PolyPhen-2: "Probably Damaging"; Align-GVGD: "Class C0").

NM_001191061.2(SLC25A22):c.899G>T (p.Gly300Val)

Gene: SLC25A22 (solute carrier family 25 member 22; minus strand). Cytogenetic location: 11p15.5.
Variant type: single nucleotide variant.
Coding change: c.899G>T on transcript NM_001191061.2 (MANE Select); coding-DNA position 899, G replaced by T.
Protein change: p.Gly300Val; replaces glycine 300 with valine.
Molecular consequence: missense variant.
Genome position (GRCh38, 1-based): chr11:791,988, C>A on the plus strand (G>T on the coding strand, the complement: SLC25A22 is on the minus strand). VCF-style: chr11-791988-C-A. GRCh37 (hg19) VCF-style: chr11-791988-C-A.
Other names: c.899G>T, p.Gly300Val (NM_024698.6, NM_001191060.2); short protein forms G300V.
Identifiers: ClinVar variation 2135409 (VCV002135409.4), dbSNP rs867806623, ClinGen allele CA216993010.